The following is an entry in ClinVar:

ClinVar aggregate classification (germline): Uncertain significance. Review status: criteria provided, multiple submitters, no conflicts (2 of 4 stars). 2 submissions from 2 submitters: Uncertain significance (2). Last evaluated 2025-01-29.

Conditions:
Inborn genetic diseases. Identifiers: MedGen C0950123, MeSH D030342.

Allele frequency attached by ClinVar (database versions not stated): gnomAD exomes 0.00001; TOPMed 0.00002; gnomAD 0.00003.

Submissions (2):

Ambry Genetics
Classification: Uncertain significance for Inborn genetic diseases. Last evaluated: 2025-01-29. Review status: criteria provided, single submitter. Criteria: Ambry Variant Classification Scheme 2023. Collection method: clinical testing. Allele origin: germline.

Labcorp Genetics (formerly Invitae), Labcorp
Classification: Uncertain significance. Last evaluated: 2022-05-17. Review status: criteria provided, single submitter. Criteria: Invitae Variant Classification Sherloc (09022015). Collection method: clinical testing. Allele origin: germline.
Comment: This sequence change replaces arginine, which is basic and polar, with leucine, which is neutral and non-polar, at codon 42 of the MPLKIP protein (p.Arg42Leu). The frequency data for this variant in the population databases is considered unreliable, as metrics indicate poor data quality at this position in the gnomAD database. This variant has not been reported in the literature in individuals affected with MPLKIP-related conditions. Algorithms developed to predict the effect of missense changes on protein structure and function are either unavailable or do not agree on the potential impact of this missense change (SIFT: "Tolerated"; PolyPhen-2: "Not Available"; Align-GVGD: "Class C0"). In summary, the available evidence is currently insufficient to determine the role of this variant in disease. Therefore, it has been classified as a Variant of Uncertain Significance.

NM_138701.4(MPLKIP):c.125G>T (p.Arg42Leu)

Gene: MPLKIP (M-phase specific PLK1 interacting protein; minus strand). Cytogenetic location: 7p14.1.
Variant type: single nucleotide variant.
Coding change: c.125G>T on transcript NM_138701.4 (MANE Select); coding-DNA position 125, G replaced by T.
Protein change: p.Arg42Leu; replaces arginine 42 with leucine.
Molecular consequence: missense variant.
Genome position (GRCh38, 1-based): chr7:40,134,443, C>A on the plus strand (G>T on the coding strand, the complement: MPLKIP is on the minus strand). VCF-style: chr7-40134443-C-A. GRCh37 (hg19) VCF-style: chr7-40174042-C-A.
Other names: c.125G>T (NM_138701.3); short protein forms R42L.
Identifiers: ClinVar variation 2172273 (VCV002172273.2), dbSNP rs1048729514, ClinGen allele CA157713278.